The following is an entry in ClinVar:

NM_014806.5(RUSC2):c.2647C>A (p.Pro883Thr)

Gene: RUSC2 (RUN and SH3 domain containing 2; plus strand). Cytogenetic location: 9p13.3.
Variant type: single nucleotide variant.
Coding change: c.2647C>A on transcript NM_014806.5 (MANE Select); coding-DNA position 2647, C replaced by A.
Protein change: p.Pro883Thr; replaces proline 883 with threonine.
Molecular consequence: missense variant. On other transcripts: non-coding transcript variant (1).
Genome position (GRCh38, 1-based): chr9:35,555,692, C>A. VCF-style: chr9-35555692-C-A. GRCh37 (hg19) VCF-style: chr9-35555689-C-A.
Other names: c.2647C>A, p.Pro883Thr (NM_001135999.2); c.13C>A, p.Pro5Thr (NM_001330740.2); short protein forms P883T, P5T.
Identifiers: ClinVar variation 1908175 (VCV001908175.2), dbSNP rs374541449, ClinGen allele CA5043914.
Genomic context (GRCh38, chr9:35,555,692, plus strand): 5'-GGCCTCAGCCGAGCAGAGAGCCTGGCCCGGGGAGGTGGTGAGGGCAGCATGGCCACCAGG[C>A]CCAGTAATGGTACGAGCTCCAGCATCTCCCTACCCAACCCGCCACCTCACGCAAGCACTT-3'
Protein context (NP_055621.2, residues 873-893): GGGEGSMATR[Pro883Thr]SNANHLSPQA

ClinVar aggregate classification (germline): Uncertain significance (1 of 4 stars; one submission).

Allele frequency attached by ClinVar (database versions not stated): ESP Exome Variant Server 0.00008.
gnomAD v4.1: 4 of 1,588,280 alleles (0.00025%); highest among the groups gnomAD compares: Non-Finnish European, 0.00034%; no homozygotes.

Submission:

Labcorp Genetics (formerly Invitae), Labcorp
Classification: Uncertain significance. Last evaluated: 2022-04-11. Review status: criteria provided, single submitter. Criteria: Invitae Variant Classification Sherloc (09022015). Collection method: clinical testing. Allele origin: germline.
Comment: This sequence change replaces proline, which is neutral and non-polar, with threonine, which is neutral and polar, at codon 883 of the RUSC2 protein (p.Pro883Thr). The frequency data for this variant in the population databases is considered unreliable, as metrics indicate poor data quality at this position in the gnomAD database. This variant has not been reported in the literature in individuals affected with RUSC2-related conditions. Algorithms developed to predict the effect of missense changes on protein structure and function (SIFT, PolyPhen-2, Align-GVGD) all suggest that this variant is likely to be tolerated. In summary, the available evidence is currently insufficient to determine the role of this variant in disease. Therefore, it has been classified as a Variant of Uncertain Significance.